The following is an entry in ClinVar:

NM_015338.6(ASXL1):c.4282T>C (p.Ser1428Pro)

Gene: ASXL1 (ASXL transcriptional regulator 1; plus strand). Cytogenetic location: 20q11.21.
Variant type: single nucleotide variant.
Coding change: c.4282T>C on transcript NM_015338.6 (MANE Select); coding-DNA position 4282, T replaced by C.
Protein change: p.Ser1428Pro; replaces serine 1428 with proline.
Molecular consequence: missense variant.
Genome position (GRCh38, 1-based): chr20:32,436,994, T>C. VCF-style: chr20-32436994-T-C. GRCh37 (hg19) VCF-style: chr20-31024797-T-C.
Other names: c.4099T>C, p.Ser1367Pro (NM_001363734.1); short protein forms S1367P, S1428P.
Identifiers: ClinVar variation 3024995 (VCV003024995.22), dbSNP rs150925693, ClinGen allele CA9809004.

ClinVar aggregate classification (germline): Likely benign (1 of 4 stars; one submission).

Allele frequency attached by ClinVar (database versions not stated): gnomAD 0.00004; ExAC 0.00006; gnomAD exomes 0.00006; TOPMed 0.00007; ESP Exome Variant Server 0.00015.
gnomAD v4.1: 97 of 1,613,874 alleles (0.006%); highest among the groups gnomAD compares: Non-Finnish European, 0.0073%; no homozygotes.

Submission:

CeGaT Center for Human Genetics Tuebingen
Classification: Likely benign. Last evaluated: 2024-01-01. Review status: criteria provided, single submitter. Criteria: CeGaT Center For Human Genetics Tuebingen Variant Classification Criteria Version 2. Collection method: clinical testing. Allele origin: germline. Affected: yes. Observed: 1 variant allele.
Comment: ASXL1: BP4